The following is an entry in ClinVar:

NM_015272.5(RPGRIP1L):c.728T>C (p.Ile243Thr)

Gene: RPGRIP1L (RPGRIP1 like; minus strand). Cytogenetic location: 16q12.2.
Variant type: single nucleotide variant.
Coding change: c.728T>C on transcript NM_015272.5 (MANE Select); coding-DNA position 728, T replaced by C.
Protein change: p.Ile243Thr; replaces isoleucine 243 with threonine.
Molecular consequence: missense variant.
Genome position (GRCh38, 1-based): chr16:53,686,481, A>G on the plus strand (T>C on the coding strand, the complement: RPGRIP1L is on the minus strand). VCF-style: chr16-53686481-A-G. GRCh37 (hg19) VCF-style: chr16-53720393-A-G.
Other names: c.728T>C, p.Ile243Thr (NM_001127897.4, NM_001308334.3, NM_001330538.2); short protein forms I243T.
Identifiers: ClinVar variation 1039051 (VCV001039051.7), dbSNP rs766117001, ClinGen allele CA8058041.

ClinVar aggregate classification (germline): Uncertain significance. Review status: criteria provided, single submitter (1 of 4 stars). 2 submissions from 2 submitters: Uncertain significance (1). 1 of the submissions does not count toward it. Last evaluated 2021-08-26.

Conditions:
Joubert syndrome. Also called: Familial aplasia of the vermis; CEREBELLOPARENCHYMAL DISORDER IV; JOUBERT-BOLTSHAUSER SYNDROME. Identifiers: Orphanet 475, MedGen C5979921, MONDO:0018772.
Meckel-Gruber syndrome. Also called: Dysencephalia splachnocystica; DYSENCEPHALIA SPLANCHNOCYSTICA; GRUBER SYNDROME. Identifiers: Orphanet 564, MedGen C0265215, MONDO:0018921.

Allele frequency attached by ClinVar (database versions not stated): gnomAD exomes 0.00001 and 0.00002; TOPMed 0.00001; ExAC 0.00002.

Submissions (2):

Labcorp Genetics (formerly Invitae), Labcorp
Classification: Uncertain significance for Joubert syndrome; Meckel-Gruber syndrome. Last evaluated: 2021-08-26. Review status: criteria provided, single submitter. Criteria: Invitae Variant Classification Sherloc (09022015). Collection method: clinical testing. Allele origin: germline.
Comment: This sequence change replaces isoleucine with threonine at codon 243 of the RPGRIP1L protein (p.Ile243Thr). The isoleucine residue is moderately conserved and there is a moderate physicochemical difference between isoleucine and threonine. This variant is present in population databases (rs766117001, ExAC 0.003%). This variant has not been reported in the literature in individuals affected with RPGRIP1L-related conditions. Algorithms developed to predict the effect of missense changes on protein structure and function are either unavailable or do not agree on the potential impact of this missense change (SIFT: "Deleterious"; PolyPhen-2: "Benign"; Align-GVGD: "Class C15"). In summary, the available evidence is currently insufficient to determine the role of this variant in disease. Therefore, it has been classified as a Variant of Uncertain Significance.

Natera, Inc.
Classification: Uncertain significance for Joubert syndrome. Last evaluated: 2020-08-26. Review status: no assertion criteria provided. Collection method: clinical testing. Allele origin: germline. Not counted in ClinVar's aggregate classification.